The following is an entry in ClinVar:

NM_000264.5(PTCH1):c.3542A>C (p.Tyr1181Ser)

Gene: PTCH1 (patched 1; minus strand). Cytogenetic location: 9q22.32.
Variant type: single nucleotide variant.
Coding change: c.3542A>C on transcript NM_000264.5 (MANE Select); coding-DNA position 3542, A replaced by C.
Protein change: p.Tyr1181Ser; replaces tyrosine 1181 with serine.
Molecular consequence: missense variant. On other transcripts: non-coding transcript variant (1).
Genome position (GRCh38, 1-based): chr9:95,449,848, T>G on the plus strand (A>C on the coding strand, the complement: PTCH1 is on the minus strand). VCF-style: chr9-95449848-T-G. GRCh37 (hg19) VCF-style: chr9-98212130-T-G.
Other names: c.3344A>C, p.Tyr1115Ser (NM_001083602.3); c.3539A>C, p.Tyr1180Ser (NM_001083603.3); c.3089A>C, p.Tyr1030Ser (NM_001083604.3, NM_001083605.3, NM_001083606.3 and 1 more transcripts); c.3386A>C, p.Tyr1129Ser (NM_001354918.2); short protein forms Y1030S, Y1129S, Y1181S, Y1115S, Y1180S.
Identifiers: ClinVar variation 3311170 (VCV003311170.2).
Genomic context (GRCh38, chr9:95,449,848, plus strand): 5'-AAACACAGCATTCAGCCGGCCTACACGTGGGACATCCCCGTGTCACTACTGACCTCAGGA[T>G]ATGGTCCAAAGAAAGACAAAAGCACGGGAAGCAAAACCAGCCCATTGAGAACGCCGAGGA-3'
Protein context (NP_000255.2, residues 1171-1191): LPVLLSFFGP[Tyr1181Ser]PEVSPANGLN

ClinVar aggregate classification (germline): Uncertain significance. Review status: criteria provided, multiple submitters, no conflicts (2 of 4 stars). 2 submissions from 2 submitters: Uncertain significance (2). Last evaluated 2025-11-02.

Conditions:
Gorlin syndrome. Also called: Nevoid Basal Cell Carcinoma Syndrome; Basal cell nevus syndrome. Identifiers: Orphanet 377, MedGen C0004779, MONDO:0007187.
Hereditary cancer-predisposing syndrome. Also called: Neoplastic Syndromes, Hereditary; Hereditary neoplastic syndrome; Tumor predisposition; Hereditary Cancer Syndrome. Identifiers: Orphanet 140162, MedGen C0027672, MeSH D009386, MONDO:0015356.

Submissions (2):

Labcorp Genetics (formerly Invitae), Labcorp
Classification: Uncertain significance for Gorlin syndrome. Last evaluated: 2025-11-02. Review status: criteria provided, single submitter. Criteria: Invitae Variant Classification Sherloc (09022015). Collection method: clinical testing. Allele origin: germline.
Comment: This sequence change replaces tyrosine, which is neutral and polar, with serine, which is neutral and polar, at codon 1181 of the PTCH1 protein (p.Tyr1181Ser). This variant is not present in population databases (gnomAD no frequency). This variant has not been reported in the literature in individuals affected with PTCH1-related conditions. ClinVar contains an entry for this variant (Variation ID: 3311170). Invitae Evidence Modeling of protein sequence and biophysical properties (such as structural, functional, and spatial information, amino acid conservation, physicochemical variation, residue mobility, and thermodynamic stability) indicates that this missense variant is not expected to disrupt PTCH1 protein function with a negative predictive value of 95%. In summary, the available evidence is currently insufficient to determine the role of this variant in disease. Therefore, it has been classified as a Variant of Uncertain Significance.

Ambry Genetics
Classification: Uncertain significance for Hereditary cancer-predisposing syndrome. Last evaluated: 2024-04-26. Review status: criteria provided, single submitter. Criteria: Ambry Variant Classification Scheme 2023. Collection method: clinical testing. Allele origin: germline.
Comment: The p.Y1181S variant (also known as c.3542A>C), located in coding exon 21 of the PTCH1 gene, results from an A to C substitution at nucleotide position 3542. The tyrosine at codon 1181 is replaced by serine, an amino acid with dissimilar properties. This amino acid position is conserved. In addition, this alteration is predicted to be deleterious by in silico analysis. Based on the available evidence, the clinical significance of this variant remains unclear.